The following is an entry in ClinVar:

NM_001110556.2(FLNA):c.5926T>C (p.Ser1976Pro)

Gene: FLNA (filamin A; minus strand). Cytogenetic location: Xq28.
Variant type: single nucleotide variant.
Coding change: c.5926T>C on transcript NM_001110556.2 (MANE Select); coding-DNA position 5926, T replaced by C.
Protein change: p.Ser1976Pro; replaces serine 1976 with proline.
Molecular consequence: missense variant.
Genome position (GRCh38, 1-based): chrX:154,353,392, A>G on the plus strand (T>C on the coding strand, the complement: FLNA is on the minus strand). VCF-style: chrX-154353392-A-G. GRCh37 (hg19) VCF-style: chrX-153581760-A-G.
Other names: c.5902T>C, p.Ser1968Pro (NM_001456.4); short protein forms S1968P, S1976P.
Identifiers: ClinVar variation 3359393 (VCV003359393.1).
Genomic context (GRCh38, chrX:154,353,392, plus strand): 5'-GCTCCTCCCGGCCCGAGGGCGGGACCACAGTGGCCGTCAGCAGGCTGAGATCCGTCTCTG[A>G]GATGTTGATGGGGATGTCGGCAGCAGAGCCGACCTTTAGGTGGGACATACGCATGGAGTC-3'
Protein context (NP_001104026.1, residues 1966-1986): GSAADIPINI[Ser1976Pro]ETDLSLLTAT

ClinVar aggregate classification (germline): Uncertain significance (1 of 4 stars; one submission).

Submission:

GeneDx
Classification: Uncertain significance. Last evaluated: 2023-06-01. Review status: criteria provided, single submitter. Criteria: GeneDx Variant Classification Process June 2021. Collection method: clinical testing. Allele origin: germline. Affected: yes.
Comment: Not observed at significant frequency in large population cohorts (gnomAD); In silico analysis supports that this missense variant has a deleterious effect on protein structure/function; Has not been previously published as pathogenic or benign to our knowledge